The following is an entry in ClinVar:

ClinVar aggregate classification (germline): Uncertain significance (1 of 4 stars; one submission).

Conditions:
Regional enteritis. Also called: Enteritis, Granulomatous. Identifiers: MedGen C0678202, MeSH D003424.
Blau syndrome (BLAUS). Also called: ARTHROCUTANEOUVEAL GRANULOMATOSIS; GRANULOMATOSIS, FAMILIAL JUVENILE SYSTEMIC; GRANULOMATOSIS, FAMILIAL, BLAU TYPE; GRANULOMATOUS INFLAMMATORY ARTHRITIS, DERMATITIS, AND UVEITIS, FAMILIAL; JABS SYNDROME. Identifiers: Orphanet 90340, MedGen C5201146, MONDO:0008523, OMIM 186580.

Allele frequency attached by ClinVar (database versions not stated): gnomAD exomes below 0.00001; ExAC 0.00001.

Submission:

Labcorp Genetics (formerly Invitae), Labcorp
Classification: Uncertain significance for Regional enteritis; Blau syndrome. Last evaluated: 2022-11-15. Review status: criteria provided, single submitter. Criteria: Invitae Variant Classification Sherloc (09022015). Collection method: clinical testing. Allele origin: germline.
Comment: In summary, the available evidence is currently insufficient to determine the role of this variant in disease. Therefore, it has been classified as a Variant of Uncertain Significance. This variant has not been reported in the literature in individuals affected with NOD2-related conditions. This variant is present in population databases (rs745597071, gnomAD 0.003%). This sequence change creates a premature translational stop signal (p.Glu51*) in the NOD2 gene. It is expected to result in an absent or disrupted protein product. However, the current clinical and genetic evidence is not sufficient to establish whether loss-of-function variants in NOD2 cause disease.

NM_001370466.1(NOD2):c.70G>T (p.Glu24Ter)

Gene: NOD2 (nucleotide binding oligomerization domain containing 2; plus strand). Cytogenetic location: 16q12.1.
Variant type: single nucleotide variant.
Coding change: c.70G>T on transcript NM_001370466.1 (MANE Select); coding-DNA position 70, G replaced by T.
Protein change: p.Glu24Ter; replaces glutamic acid 24 with a stop codon.
Molecular consequence: nonsense. On other transcripts: non-coding transcript variant (1).
Genome position (GRCh38, 1-based): chr16:50,699,565, G>T. VCF-style: chr16-50699565-G-T. GRCh37 (hg19) VCF-style: chr16-50733476-G-T.
Other names: c.70G>T, p.Glu24Ter (NM_001293557.2); c.151G>T, p.Glu51Ter (NM_022162.3); short protein forms E24*, E51*.
Identifiers: ClinVar variation 2941579 (VCV002941579.3), dbSNP rs745597071, ClinGen allele CA8051209.